The following is an entry in ClinVar:

NM_001127649.3(PEX26):c.662T>A (p.Leu221Gln)

Gene: PEX26 (peroxisomal biogenesis factor 26; plus strand). Cytogenetic location: 22q11.21.
Variant type: single nucleotide variant.
Coding change: c.662T>A on transcript NM_001127649.3 (MANE Select); coding-DNA position 662, T replaced by A.
Protein change: p.Leu221Gln; replaces leucine 221 with glutamine.
Molecular consequence: missense variant.
Genome position (GRCh38, 1-based): chr22:18,083,727, T>A. VCF-style: chr22-18083727-T-A. GRCh37 (hg19) VCF-style: chr22-18566493-T-A.
Other names: c.662T>A, p.Leu221Gln (NM_001199319.2, NM_017929.6); short protein forms L221Q.
Identifiers: ClinVar variation 502596 (VCV000502596.6), dbSNP rs767345970, ClinGen allele CA410268180.

ClinVar aggregate classification (germline): Uncertain significance. Review status: criteria provided, multiple submitters, no conflicts (2 of 4 stars). 2 submissions from 2 submitters: Uncertain significance (2). Last evaluated 2022-04-04.

Conditions:
Peroxisome biogenesis disorder 7A (Zellweger). Also called: Peroxisome biogenesis disorder 7A. Identifiers: Orphanet 912, MedGen C3888385, MONDO:0013938, OMIM 614872.
Peroxisome biogenesis disorder 7B (PBD7B). Identifiers: Orphanet 44, MedGen C3553951, MONDO:0013939, OMIM 614873.

Submissions (2):

Labcorp Genetics (formerly Invitae), Labcorp
Classification: Uncertain significance for Peroxisome biogenesis disorder 7A (Zellweger); Peroxisome biogenesis disorder 7B. Last evaluated: 2022-04-04. Review status: criteria provided, single submitter. Criteria: Invitae Variant Classification Sherloc (09022015). Collection method: clinical testing. Allele origin: germline.
Comment: This sequence change replaces leucine, which is neutral and non-polar, with glutamine, which is neutral and polar, at codon 221 of the PEX26 protein (p.Leu221Gln). This variant is not present in population databases (gnomAD no frequency). This variant has not been reported in the literature in individuals affected with PEX26-related conditions. ClinVar contains an entry for this variant (Variation ID: 502596). Algorithms developed to predict the effect of missense changes on protein structure and function output the following: SIFT: "Tolerated"; PolyPhen-2: "Benign"; Align-GVGD: "Class C0". The glutamine amino acid residue is found in multiple mammalian species, which suggests that this missense change does not adversely affect protein function. In summary, the available evidence is currently insufficient to determine the role of this variant in disease. Therefore, it has been classified as a Variant of Uncertain Significance.

Eurofins Ntd Llc (ga)
Classification: Uncertain significance. Last evaluated: 2017-06-15. Review status: criteria provided, single submitter. Criteria: EGL Classification Definitions 2015. Collection method: clinical testing. Allele origin: germline. Observed: 1 variant allele, 1 heterozygote.